The following is an entry in ClinVar:

ClinVar aggregate classification (germline): Uncertain significance (1 of 4 stars; one submission).

Conditions:
Developmental and epileptic encephalopathy, 23 (DEE23). Also called: Epileptic encephalopathy, early infantile, 23. Identifiers: Orphanet 411986, MedGen C4014492, MONDO:0014371, OMIM 615859.

Submission:

Labcorp Genetics (formerly Invitae), Labcorp
Classification: Uncertain significance for Developmental and epileptic encephalopathy, 23. Last evaluated: 2020-08-14. Review status: criteria provided, single submitter. Criteria: Invitae Variant Classification Sherloc (09022015). Collection method: clinical testing. Allele origin: germline.
Comment: This variant results in a copy number gain of the genomic region encompassing exon(s) 1-14 of the DOCK7 gene, which includes the initiator codon. The 5' end of this event is unknown as it extends beyond the assayed region for this gene and therefore may encompass additional genes. The 3' boundary is likely confined to intron 14 of the DOCK7 gene. As the precise location of this event is unknown, it may be in tandem or it may be located elsewhere in the genome. This variant has not been reported in the literature in individuals with DOCK7-related conditions. Experimental studies and prediction algorithms are not available or were not evaluated, and the functional significance of this variant is currently unknown. In summary, the available evidence is currently insufficient to determine the role of this variant in disease. Therefore, it has been classified as a Variant of Uncertain Significance.

NC_000001.10:g.(?_63063238)_(63153935_?)dup

Genes: ANGPTL3 (angiopoietin like 3; plus strand), DOCK7 (dedicator of cytokinesis 7; minus strand). Cytogenetic location: 1p31.3.
Variant type: Duplication.
Identifiers: ClinVar variation 1003419 (VCV001003419.7).